The following is an entry in ClinVar:

NM_017777.4(MKS1):c.1010A>G (p.Glu337Gly)

Gene: MKS1 (MKS transition zone complex subunit 1; minus strand). Cytogenetic location: 17q22.
Variant type: single nucleotide variant.
Coding change: c.1010A>G on transcript NM_017777.4 (MANE Select); coding-DNA position 1010, A replaced by G.
Protein change: p.Glu337Gly; replaces glutamic acid 337 with glycine.
Molecular consequence: missense variant.
Genome position (GRCh38, 1-based): chr17:58,210,673, T>C on the plus strand (A>G on the coding strand, the complement: MKS1 is on the minus strand). VCF-style: chr17-58210673-T-C. GRCh37 (hg19) VCF-style: chr17-56288034-T-C.
Other names: p.Glu337Gly; c.401A>G, p.Glu134Gly (NM_001321268.2); c.1010A>G, p.Glu337Gly (NM_001321269.2, NM_001330397.2, NM_001411113.1); short protein forms E134G, E337G.
Identifiers: ClinVar variation 3353985 (VCV003353985.2).
Genomic context (GRCh38, chr17:58,210,673, plus strand): 5'-TCTGTCTGAATGGGTATAAAAGGAGAGACTTAAGAATATTACTTACGAGCAGTTGGCAAT[T>C]CTACAAAGAAGTGGACGTAGAGATTGTCATACTCATAGCCTTGGGCTGAAACTACGAGAG-3'
Protein context (NP_060247.2, residues 327-347): YDNLYVHFFV[Glu337Gly]LPTAHWSSPA

ClinVar aggregate classification (germline): Uncertain significance. Review status: criteria provided, single submitter (1 of 4 stars). 2 submissions from 2 submitters: Uncertain significance (1). 1 of the submissions does not count toward it. Last evaluated 2025-06-23.

Conditions:
MKS1-related disorder. Also called: MKS1-related condition; MKS1-related disorders. Identifiers: MedGen CN239382.

Submissions (2):

Mayo Clinic Laboratories, Mayo Clinic
Classification: Uncertain significance. Last evaluated: 2025-06-23. Review status: criteria provided, single submitter. Criteria: ACMG Guidelines, 2015. Collection method: clinical testing. Allele origin: germline. Observed: 1 variant allele.
Comment: PP3

PreventionGenetics, part of Exact Sciences
Classification: Uncertain significance for MKS1-related condition. Last evaluated: 2024-09-25. Review status: no assertion criteria provided. Collection method: clinical testing. Allele origin: germline. Not counted in ClinVar's aggregate classification.
Comment: The MKS1 c.1010A>G variant is predicted to result in the amino acid substitution p.Glu337Gly. To our knowledge, this variant has not been reported in the literature. This variant is reported in 0.0065% of alleles in individuals of European (Non-Finnish) descent in gnomAD. At this time, the clinical significance of this variant is uncertain due to the absence of conclusive functional and genetic evidence.